The following is an entry in ClinVar:

ClinVar aggregate classification (germline): Uncertain significance. Review status: criteria provided, multiple submitters, no conflicts (2 of 4 stars). 2 submissions from 2 submitters: Uncertain significance (2). Last evaluated 2025-05-11.

Conditions:
Ullrich congenital muscular dystrophy 2 (UCMD2). Identifiers: Orphanet 75840, MedGen C4225314, MONDO:0014654, OMIM 616470.
Bethlem myopathy 2 (BTHLM2). Identifiers: Orphanet 536516, Orphanet 610, MedGen C4225313, MONDO:0034022, OMIM 616471.

gnomAD v4.1: 1 of 1,614,014 alleles (0.000062%); highest among the groups gnomAD compares: Non-Finnish European, 0.000085%; no homozygotes.

Submissions (2):

Labcorp Genetics (formerly Invitae), Labcorp
Classification: Uncertain significance for Bethlem myopathy 2; Ullrich congenital muscular dystrophy 2. Last evaluated: 2025-05-11. Review status: criteria provided, single submitter. Criteria: Invitae Variant Classification Sherloc (09022015). Collection method: clinical testing. Allele origin: germline.
Comment: This sequence change replaces glycine, which is neutral and non-polar, with serine, which is neutral and polar, at codon 801 of the COL12A1 protein (p.Gly801Ser). This variant is not present in population databases (gnomAD no frequency). This variant has not been reported in the literature in individuals affected with COL12A1-related conditions. ClinVar contains an entry for this variant (Variation ID: 3758215). Invitae Evidence Modeling of protein sequence and biophysical properties (such as structural, functional, and spatial information, amino acid conservation, physicochemical variation, residue mobility, and thermodynamic stability) has been performed for this missense variant. However, the output from this modeling did not meet the statistical confidence thresholds required to predict the impact of this variant on COL12A1 protein function. In summary, the available evidence is currently insufficient to determine the role of this variant in disease. Therefore, it has been classified as a Variant of Uncertain Significance.

Blueprint Genetics
Classification: Uncertain significance. Last evaluated: 2023-10-04. Review status: criteria provided, single submitter. Criteria: ACMG Guidelines, 2015. Collection method: clinical testing. Allele origin: germline.

NM_004370.6(COL12A1):c.2401G>A (p.Gly801Ser)

Gene: COL12A1 (collagen type XII alpha 1 chain; minus strand). Cytogenetic location: 6q13.
Variant type: single nucleotide variant.
Coding change: c.2401G>A on transcript NM_004370.6 (MANE Select); coding-DNA position 2401, G replaced by A.
Protein change: p.Gly801Ser; replaces glycine 801 with serine.
Molecular consequence: missense variant. On other transcripts: intron variant (2).
Genome position (GRCh38, 1-based): chr6:75,177,699, C>T on the plus strand (G>A on the coding strand, the complement: COL12A1 is on the minus strand). VCF-style: chr6-75177699-C-T. GRCh37 (hg19) VCF-style: chr6-75887415-C-T.
Other names: c.2401G>A, p.Gly801Ser (NM_001424113.1, NM_001424114.1, NM_001424115.1); c.73+25021G>A (NM_001424116.1, NM_080645.3); short protein forms G801S.
Identifiers: ClinVar variation 3758215 (VCV003758215.3).